The following is an entry in ClinVar:

NM_001010874.5(TECRL):c.898T>C (p.Cys300Arg)

Gene: TECRL (trans-2,3-enoyl-CoA reductase like; minus strand). Cytogenetic location: 4q13.1.
Variant type: single nucleotide variant.
Coding change: c.898T>C on transcript NM_001010874.5 (MANE Select); coding-DNA position 898, T replaced by C.
Protein change: p.Cys300Arg; replaces cysteine 300 with arginine.
Molecular consequence: missense variant.
Genome position (GRCh38, 1-based): chr4:64,281,494, A>G on the plus strand (T>C on the coding strand, the complement: TECRL is on the minus strand). VCF-style: chr4-64281494-A-G. GRCh37 (hg19) VCF-style: chr4-65147212-A-G.
Other names: c.898T>C, p.Cys300Arg (NM_001363796.1); short protein forms C300R.
Identifiers: ClinVar variation 2504203 (VCV002504203.1), dbSNP rs2475926912, ClinGen allele CA357043608.

ClinVar aggregate classification (germline): Uncertain significance (1 of 4 stars; one submission).

Submission:

GeneDx
Classification: Uncertain significance. Last evaluated: 2022-12-02. Review status: criteria provided, single submitter. Criteria: GeneDx Variant Classification Process June 2021. Collection method: clinical testing. Allele origin: germline. Affected: yes.
Comment: Not observed at significant frequency in large population cohorts (gnomAD); In silico analysis supports that this missense variant has a deleterious effect on protein structure/function; Has not been previously published as pathogenic or benign to our knowledge